The following is an entry in ClinVar:

ClinVar aggregate classification (germline): Uncertain significance (1 of 4 stars; one submission).

Allele frequency attached by ClinVar (database versions not stated): gnomAD exomes below 0.00001 and 0.00001; TOPMed below 0.00001.
gnomAD v4.1: 13 of 1,613,982 alleles (0.00081%); highest among the groups gnomAD compares: African/African-American, 0.0013%; no homozygotes.

Submission:

Labcorp Genetics (formerly Invitae), Labcorp
Classification: Uncertain significance. Last evaluated: 2022-06-20. Review status: criteria provided, single submitter. Criteria: Invitae Variant Classification Sherloc (09022015). Collection method: clinical testing. Allele origin: germline.
Comment: This sequence change replaces lysine, which is basic and polar, with arginine, which is basic and polar, at codon 91 of the FCHO1 protein (p.Lys91Arg). In summary, the available evidence is currently insufficient to determine the role of this variant in disease. Therefore, it has been classified as a Variant of Uncertain Significance. Algorithms developed to predict the effect of missense changes on protein structure and function (SIFT, PolyPhen-2, Align-GVGD) all suggest that this variant is likely to be tolerated. This variant has not been reported in the literature in individuals affected with FCHO1-related conditions. This variant is present in population databases (no rsID available, gnomAD 0.004%).

NM_015122.3(FCHO1):c.272A>G (p.Lys91Arg)

Gene: FCHO1 (FCH and mu domain containing endocytic adaptor 1; plus strand). Cytogenetic location: 19p13.11.
Variant type: single nucleotide variant.
Coding change: c.272A>G on transcript NM_015122.3 (MANE Select); coding-DNA position 272, A replaced by G.
Protein change: p.Lys91Arg; replaces lysine 91 with arginine.
Molecular consequence: missense variant. On other transcripts: non-coding transcript variant (34).
Genome position (GRCh38, 1-based): chr19:17,766,746, A>G. VCF-style: chr19-17766746-A-G. GRCh37 (hg19) VCF-style: chr19-17877555-A-G.
Other names: c.272A>G, p.Lys91Arg (NM_001161357.2, NM_001161358.2, NM_001384370.1 and 29 more transcripts); c.122A>G, p.Lys41Arg (NM_001161359.2, NM_001384384.1, NM_001384385.1 and 3 more transcripts); c.197A>G, p.Lys66Arg (NM_001384390.1); short protein forms K66R, K41R, K91R.
Identifiers: ClinVar variation 1493922 (VCV001493922.8), dbSNP rs966279633, ClinGen allele CA306108645.